The following is an entry in ClinVar:

ClinVar aggregate classification (germline): Uncertain significance. Review status: criteria provided, multiple submitters, no conflicts (2 of 4 stars). 2 submissions from 2 submitters: Uncertain significance (2). Last evaluated 2025-11-09.

Conditions:
Epidermolysis bullosa simplex 5C, with pyloric atresia (EBS5C). Also called: PLEC-Related Epidermolysis Bullosa with Pyloric Atresia; Epidermolysis bullosa simplex with pyloric atresia; PLEC1-Related Epidermolysis Bullosa with Pyloric Atresia. Identifiers: Orphanet 158684, MedGen C2677349, MONDO:0012807, OMIM 612138.
Epidermolysis bullosa simplex 5B, with muscular dystrophy (EBS5B). Also called: EPIDERMOLYSIS BULLOSA SIMPLEX AND LIMB-GIRDLE MUSCULAR DYSTROPHY; Epidermolysis bullosa simplex with muscular dystrophy. Identifiers: Orphanet 257, MedGen C2931072, MONDO:0009181, OMIM 226670.
Autosomal recessive limb-girdle muscular dystrophy type 2Q (LGMDR17). Also called: MUSCULAR DYSTROPHY, LIMB-GIRDLE, AUTOSOMAL RECESSIVE 17. Identifiers: Orphanet 254361, MedGen C3150989, MONDO:0013390, OMIM 613723.
Epidermolysis bullosa simplex with nail dystrophy (EBS5D). Identifiers: MedGen C4225309, MONDO:0014661, OMIM 616487.
Epidermolysis bullosa simplex, Ogna type (EBS5A). Also called: Pidermolysis bullosa simplex 5A, Ogna type; EPIDERMOLYSIS BULLOSA SIMPLEX 5A, OGNA TYPE. Identifiers: Orphanet 79401, MedGen C0432317, MONDO:0007555, OMIM 131950.

Allele frequency attached by ClinVar (database versions not stated): TOPMed 0.00002; gnomAD 0.00003; gnomAD exomes 0.00004 and 0.00007; ExAC 0.00008.
gnomAD v4.1: 56 of 1,593,224 alleles (0.0035%); highest among the groups gnomAD compares: South Asian, 0.044%; no homozygotes.

Submissions (2):

Labcorp Genetics (formerly Invitae), Labcorp
Classification: Uncertain significance for Autosomal recessive limb-girdle muscular dystrophy type 2Q; Epidermolysis bullosa simplex, Ogna type; Epidermolysis bullosa simplex with nail dystrophy; Epidermolysis bullosa simplex 5C, with pyloric atresia; Epidermolysis bullosa simplex 5B, with muscular dystrophy. Last evaluated: 2025-11-09. Review status: criteria provided, single submitter. Criteria: Invitae Variant Classification Sherloc (09022015). Collection method: clinical testing. Allele origin: germline.
Comment: This sequence change replaces arginine, which is basic and polar, with glutamine, which is neutral and polar, at codon 3187 of the PLEC protein (p.Arg3187Gln). This variant is present in population databases (rs782280714, gnomAD 0.05%). This variant has not been reported in the literature in individuals affected with PLEC-related conditions. ClinVar contains an entry for this variant (Variation ID: 639586). An algorithm developed to predict the effect of missense changes on protein structure and function (PolyPhen-2) suggests that this variant is likely to be disruptive. In summary, the available evidence is currently insufficient to determine the role of this variant in disease. Therefore, it has been classified as a Variant of Uncertain Significance.

Revvity Omics, Revvity
Classification: Uncertain significance. Last evaluated: 2024-06-11. Review status: criteria provided, single submitter. Criteria: ACMG Guidelines, 2015. Collection method: clinical testing. Allele origin: germline.

NM_201384.3(PLEC):c.9479G>A (p.Arg3160Gln)

Gene: PLEC (plectin; minus strand). Cytogenetic location: 8q24.3.
Variant type: single nucleotide variant.
Coding change: c.9479G>A on transcript NM_201384.3 (MANE Select); coding-DNA position 9479, G replaced by A.
Protein change: p.Arg3160Gln; replaces arginine 3160 with glutamine.
Molecular consequence: missense variant.
Genome position (GRCh38, 1-based): chr8:143,920,342, C>T on the plus strand (G>A on the coding strand, the complement: PLEC is on the minus strand). VCF-style: chr8-143920342-C-T. GRCh37 (hg19) VCF-style: chr8-144994510-C-T.
Other names: c.9560G>A, p.Arg3187Gln (NM_000445.5); c.9437G>A, p.Arg3146Gln (NM_201378.4); c.9413G>A, p.Arg3138Gln (NM_201379.3); c.9890G>A, p.Arg3297Gln (NM_201380.4); c.9383G>A, p.Arg3128Gln (NM_201381.3); c.9479G>A, p.Arg3160Gln (NM_201382.4); c.9491G>A, p.Arg3164Gln (NM_201383.3); short protein forms R3138Q, R3146Q, R3164Q, R3128Q, R3160Q, R3187Q, R3297Q.
Identifiers: ClinVar variation 639586 (VCV000639586.11), dbSNP rs782280714, ClinGen allele CA4924957.